The following is an entry in ClinVar:

NM_014806.5(RUSC2):c.3044G>A (p.Arg1015Gln)

Gene: RUSC2 (RUN and SH3 domain containing 2; plus strand). Cytogenetic location: 9p13.3.
Variant type: single nucleotide variant.
Coding change: c.3044G>A on transcript NM_014806.5 (MANE Select); coding-DNA position 3044, G replaced by A.
Protein change: p.Arg1015Gln; replaces arginine 1015 with glutamine.
Molecular consequence: missense variant. On other transcripts: non-coding transcript variant (1).
Genome position (GRCh38, 1-based): chr9:35,557,974, G>A. VCF-style: chr9-35557974-G-A. GRCh37 (hg19) VCF-style: chr9-35557971-G-A.
Other names: c.3044G>A, p.Arg1015Gln (NM_001135999.2); c.410G>A, p.Arg137Gln (NM_001330740.2); short protein forms R137Q, R1015Q.
Identifiers: ClinVar variation 1027721 (VCV001027721.6), dbSNP rs1041188721, ClinGen allele CA192756372.

ClinVar aggregate classification (germline): Uncertain significance. Review status: criteria provided, multiple submitters, no conflicts (2 of 4 stars). 2 submissions from 2 submitters: Uncertain significance (2). Last evaluated 2021-02-12.

Conditions:
Intellectual developmental disorder, autosomal recessive 61. Also called: ALWADEI SYNDROME; Intellectual disability, autosomal recessive 61; MENTAL RETARDATION, AUTOSOMAL RECESSIVE 61. Identifiers: MedGen C4540424, MONDO:0030915, OMIM 617773.

Allele frequency attached by ClinVar (database versions not stated): gnomAD exomes below 0.00001 and 0.00001; TOPMed 0.00001; gnomAD 0.00001.
gnomAD v4.1: 8 of 1,614,058 alleles (0.0005%); highest among the groups gnomAD compares: Admixed American, 0.0067%; no homozygotes.

Submissions (2):

Labcorp Genetics (formerly Invitae), Labcorp
Classification: Uncertain significance. Last evaluated: 2021-02-12. Review status: criteria provided, single submitter. Criteria: Invitae Variant Classification Sherloc (09022015). Collection method: clinical testing. Allele origin: germline.
Comment: In summary, the available evidence is currently insufficient to determine the role of this variant in disease. Therefore, it has been classified as a Variant of Uncertain Significance. Algorithms developed to predict the effect of missense changes on protein structure and function (SIFT, PolyPhen-2, Align-GVGD) all suggest that this variant is likely to be disruptive, but these predictions have not been confirmed by published functional studies and their clinical significance is uncertain. This variant has not been reported in the literature in individuals with RUSC2-related conditions. This variant is not present in population databases (ExAC no frequency). This sequence change replaces arginine with glutamine at codon 1015 of the RUSC2 protein (p.Arg1015Gln). The arginine residue is highly conserved and there is a small physicochemical difference between arginine and glutamine.

Baylor Genetics
Classification: Uncertain significance for Intellectual developmental disorder, autosomal recessive 61. Last evaluated: 2019-10-23. Review status: criteria provided, single submitter. Criteria: ACMG Guidelines, 2015. Collection method: clinical testing. Allele origin: unknown. Affected: yes.
Comment: This variant was determined to be of uncertain significance according to ACMG Guidelines, 2015 [PMID:25741868].